The following is an entry in ClinVar:

NM_004380.3(CREBBP):c.6191C>T (p.Pro2064Leu)

Gene: CREBBP (CREB binding lysine acetyltransferase; minus strand). Cytogenetic location: 16p13.3.
Variant type: single nucleotide variant.
Coding change: c.6191C>T on transcript NM_004380.3 (MANE Select); coding-DNA position 6191, C replaced by T.
Protein change: p.Pro2064Leu; replaces proline 2064 with leucine.
Molecular consequence: missense variant.
Genome position (GRCh38, 1-based): chr16:3,728,856, G>A on the plus strand (C>T on the coding strand, the complement: CREBBP is on the minus strand). VCF-style: chr16-3728856-G-A. GRCh37 (hg19) VCF-style: chr16-3778857-G-A.
Other names: c.6077C>T, p.Pro2026Leu (NM_001079846.1); short protein forms P2026L, P2064L.
Identifiers: ClinVar variation 4854171 (VCV004854171.1).

ClinVar aggregate classification (germline): Uncertain significance (1 of 4 stars; one submission).

Conditions:
Menke-Hennekam syndrome 1 (MKHK1). Identifiers: MedGen C5193034, MONDO:0020763, OMIM 618332.

Submission:

3billion
Classification: Uncertain significance for Menke-Hennekam syndrome 1. Last evaluated: 2026-01-27. Review status: criteria provided, single submitter. Criteria: ACMG Guidelines, 2015. Collection method: clinical testing. Allele origin: germline. Affected: yes.
Comment: The variant is not observed in the gnomAD v4.1.0 dataset. Predicted Consequence/Location: Missense variant In silico tool predictions suggest damaging effect of the variant on gene or gene product [REVEL: 0.70 (>=0.6, sensitivity 0.68 and specificity 0.92)]. Therefore, this variant is classified as VUS according to the recommendation of ACMG/AMP guideline.